The following is an entry in ClinVar:

NM_001371904.1(APOA5):c.928G>C (p.Val310Leu)

Gene: APOA5 (apolipoprotein A5; minus strand). Cytogenetic location: 11q23.3.
Variant type: single nucleotide variant.
Coding change: c.928G>C on transcript NM_001371904.1 (MANE Select); coding-DNA position 928, G replaced by C.
Protein change: p.Val310Leu; replaces valine 310 with leucine.
Molecular consequence: missense variant.
Genome position (GRCh38, 1-based): chr11:116,790,301, C>G on the plus strand (G>C on the coding strand, the complement: APOA5 is on the minus strand). VCF-style: chr11-116790301-C-G. GRCh37 (hg19) VCF-style: chr11-116661017-C-G.
Other names: c.928G>C, p.Val310Leu (NM_001166598.2, NM_052968.5); short protein forms V310L.
Identifiers: ClinVar variation 4613622 (VCV004613622.1).
Genomic context (GRCh38, chr11:116,790,301, plus strand): 5'-GTTGAAACTCTGGGGCGAAGGCACTGTGGCCTGGTGGAGGTGGCGCCAGCTGCTGCTGGA[C>G]CTCCTCAGTCTCCTGGTCGATGGCGCGAGTGAAGGCAGCTATCTGCAGGTAGGTGTCCTG-3'
Protein context (NP_001358833.1, residues 300-320): TRAIDQETEE[Val310Leu]QQQLAPPPPG

ClinVar aggregate classification (germline): Uncertain significance (1 of 4 stars; one submission).

Conditions:
Cardiovascular phenotype. Identifiers: MedGen CN230736.

Submission:

Ambry Genetics
Classification: Uncertain significance for Cardiovascular phenotype. Last evaluated: 2025-09-22. Review status: criteria provided, single submitter. Criteria: Ambry Variant Classification Scheme 2023. Collection method: clinical testing. Allele origin: germline.
Comment: The c.928G>C (p.V310L) alteration is located in exon 4 (coding exon 3) of the APOA5 gene. This alteration results from a G to C substitution at nucleotide position 928, causing the valine (V) at amino acid position 310 to be replaced by a leucine (L). Based on data from gnomAD, the C allele has an overall frequency of <0.001% (1/251314) total alleles studied. The highest observed frequency was <0.001% (/) of alleles. Based on insufficient or conflicting evidence, the clinical significance of this alteration remains unclear.